The following is an entry in ClinVar:

ClinVar aggregate classification (germline): Likely benign. Review status: criteria provided, multiple submitters, no conflicts (2 of 4 stars). 2 submissions from 2 submitters: Likely benign (2). Last evaluated 2026-05-27.

Conditions:
Gastrointestinal stromal tumor. Also called: Gastrointestinal stroma tumor; Gastrointestinal stromal tumor, somatic. Identifiers: Orphanet 44890, MedGen C0238198, MeSH D046152, MONDO:0011719, OMIM 606764, HP:0100723.

Allele frequency attached by ClinVar (database versions not stated): gnomAD exomes below 0.00001.
gnomAD v4.1: 2 of 1,613,162 alleles (0.00012%); highest among the groups gnomAD compares: Admixed American, 0.0017%; no homozygotes.

Submissions (2):

Myriad Genetics, Inc.
Classification: Likely benign for Gastrointestinal stromal tumor. Last evaluated: 2026-05-27. Review status: criteria provided, single submitter. Criteria: Myriad Autosomal Dominant, Autosomal Recessive and X-Linked Classification Criteria (2023). Collection method: clinical testing. Allele origin: unknown.
Comment: This variant is considered likely benign. This variant is intronic and is not expected to impact mRNA splicing.

Labcorp Genetics (formerly Invitae), Labcorp
Classification: Likely benign for Gastrointestinal stromal tumor. Last evaluated: 2022-04-30. Review status: criteria provided, single submitter. Criteria: Invitae Variant Classification Sherloc (09022015). Collection method: clinical testing. Allele origin: germline.

NM_000222.3(KIT):c.1880-19T>C

Gene: KIT (KIT proto-oncogene, receptor tyrosine kinase; plus strand). Cytogenetic location: 4q12.
Variant type: single nucleotide variant.
Coding change: c.1880-19T>C on transcript NM_000222.3 (MANE Select); 19 bases into the intron before coding-DNA position 1880, T replaced by C.
Molecular consequence: intron variant.
Genome position (GRCh38, 1-based): chr4:54,727,992, T>C. VCF-style: chr4-54727992-T-C. GRCh37 (hg19) VCF-style: chr4-55594158-T-C.
Other names: c.1883-19T>C (NM_001385284.1, NM_001385290.1); c.1871-19T>C (NM_001385288.1, NM_001385292.1); c.1880-19T>C (NM_001385285.1); c.1868-19T>C (NM_001093772.2, NM_001385286.1).
Identifiers: ClinVar variation 2143119 (VCV002143119.5), dbSNP rs1212584156, ClinGen allele CA551651707.